The following is an entry in ClinVar:

ClinVar aggregate classification (germline): Benign/Likely benign. Review status: criteria provided, multiple submitters, no conflicts (2 of 4 stars). 4 submissions from 4 submitters: Benign (1); Likely benign (3). Last evaluated 2026-09-01.

Conditions:
Adams-Oliver syndrome 5 (AOS5). Identifiers: Orphanet 974, MedGen C4014970, MONDO:0014459, OMIM 616028.
Familial thoracic aortic aneurysm and aortic dissection (TAAD). Also called: Thoracic aortic aneurysms and dissections. Identifiers: Orphanet 91387, MedGen C4707243, MONDO:0019625.

Allele frequency attached by ClinVar (database versions not stated): gnomAD 0.00005; TOPMed 0.00006.
gnomAD v4.1: 49 of 1,596,844 alleles (0.0031%); highest among the groups gnomAD compares: South Asian, 0.01%; no homozygotes.

Submissions (4):

CeGaT Center for Human Genetics Tuebingen
Classification: Likely benign. Last evaluated: 2026-09-01. Review status: criteria provided, single submitter. Criteria: CeGaT Center For Human Genetics Tuebingen Variant Classification Criteria Version 2. Collection method: clinical testing. Allele origin: germline. Affected: yes. Observed: 1 variant allele.
Comment: NOTCH1: BP4, BP7

Blueprint Genetics
Classification: Likely benign. Last evaluated: 2024-03-04. Review status: criteria provided, single submitter. Criteria: ACMG Guidelines, 2015. Collection method: clinical testing. Allele origin: germline.

Ambry Genetics
Classification: Likely benign for Familial thoracic aortic aneurysm and aortic dissection. Last evaluated: 2023-03-13. Review status: criteria provided, single submitter. Criteria: Ambry Variant Classification Scheme 2023. Collection method: clinical testing. Allele origin: germline.

Labcorp Genetics (formerly Invitae), Labcorp
Classification: Benign for Adams-Oliver syndrome 5. Last evaluated: 2022-11-20. Review status: criteria provided, single submitter. Criteria: Invitae Variant Classification Sherloc (09022015). Collection method: clinical testing. Allele origin: germline.

NM_017617.5(NOTCH1):c.1746C>T (p.Asp582=)

Gene: NOTCH1 (notch receptor 1; minus strand). Cytogenetic location: 9q34.3.
Variant type: single nucleotide variant.
Coding change: c.1746C>T on transcript NM_017617.5 (MANE Select); coding-DNA position 1746, C replaced by T.
Protein change: p.Asp582=; no amino-acid change (aspartic acid 582 retained).
Molecular consequence: synonymous variant.
Genome position (GRCh38, 1-based): chr9:136,515,640, G>A on the plus strand (C>T on the coding strand, the complement: NOTCH1 is on the minus strand). VCF-style: chr9-136515640-G-A. GRCh37 (hg19) VCF-style: chr9-139410092-G-A.
Identifiers: ClinVar variation 2061694 (VCV002061694.8), dbSNP rs767476967, ClinGen allele CA5341642.
Genomic context (GRCh38, chr9:136,515,640, plus strand): 5'-GGTCTCGCAGTGGTGGCCCGTGTAGCCTGGGCGGCAGAGGCAGGTGAAGGTGGCGACGCC[G>A]TCCTTGCAGGAGCCGTAGTGGCAGGGGTCGGGGTCGCACTCATCGATGTCCACCTCGCAG-3'
Protein context (NP_060087.3, residues 572-592): PDPCHYGSCK[Asp582=]GVATFTCLCR